The following is an entry in ClinVar:

ClinVar aggregate classification (germline): Uncertain significance. Review status: criteria provided, multiple submitters, no conflicts (2 of 4 stars). 2 submissions from 2 submitters: Uncertain significance (2). Last evaluated 2025-12-09.

Conditions:
Inborn genetic diseases. Identifiers: MedGen C0950123, MeSH D030342.

Allele frequency attached by ClinVar (database versions not stated): gnomAD 0.00001; gnomAD exomes 0.00002; TOPMed below 0.00001; ExAC 0.00001.
gnomAD v4.1: 29 of 1,613,464 alleles (0.0018%); highest among the groups gnomAD compares: Non-Finnish European, 0.0024%; no homozygotes.

Submissions (2):

Ambry Genetics
Classification: Uncertain significance for Inborn genetic diseases. Last evaluated: 2025-12-09. Review status: criteria provided, single submitter. Criteria: Ambry Variant Classification Scheme 2023. Collection method: clinical testing. Allele origin: germline.
Comment: The c.5198C>T (p.S1733L) alteration is located in exon 3 (coding exon 1) of the RAI1 gene. This alteration results from a C to T substitution at nucleotide position 5198, causing the serine (S) at amino acid position 1733 to be replaced by a leucine (L). Based on data from gnomAD, the T allele has an overall frequency of <0.001% (1/249906) total alleles studied. The highest observed frequency was 0.001% (1/112416) of European (non-Finnish) alleles. Based on insufficient or conflicting evidence, the clinical significance of this alteration remains unclear.

Labcorp Genetics (formerly Invitae), Labcorp
Classification: Uncertain significance. Last evaluated: 2025-05-27. Review status: criteria provided, single submitter. Criteria: Invitae Variant Classification Sherloc (09022015). Collection method: clinical testing. Allele origin: germline.
Comment: This sequence change replaces serine, which is neutral and polar, with leucine, which is neutral and non-polar, at codon 1733 of the RAI1 protein (p.Ser1733Leu). This variant is present in population databases (rs752186236, gnomAD 0.0009%). This variant has not been reported in the literature in individuals affected with RAI1-related conditions. ClinVar contains an entry for this variant (Variation ID: 2884453). Invitae Evidence Modeling of protein sequence and biophysical properties (such as structural, functional, and spatial information, amino acid conservation, physicochemical variation, residue mobility, and thermodynamic stability) indicates that this missense variant is not expected to disrupt RAI1 protein function with a negative predictive value of 80%. In summary, the available evidence is currently insufficient to determine the role of this variant in disease. Therefore, it has been classified as a Variant of Uncertain Significance.

NM_030665.4(RAI1):c.5198C>T (p.Ser1733Leu)

Gene: RAI1 (retinoic acid induced 1; plus strand). Cytogenetic location: 17p11.2.
Variant type: single nucleotide variant.
Coding change: c.5198C>T on transcript NM_030665.4 (MANE Select); coding-DNA position 5198, C replaced by T.
Protein change: p.Ser1733Leu; replaces serine 1733 with leucine.
Molecular consequence: missense variant.
Genome position (GRCh38, 1-based): chr17:17,798,146, C>T. VCF-style: chr17-17798146-C-T. GRCh37 (hg19) VCF-style: chr17-17701460-C-T.
Other names: c.5198C>T (NM_030665.3); short protein forms S1733L.
Identifiers: ClinVar variation 2884453 (VCV002884453.4), dbSNP rs752186236, ClinGen allele CA8419107.